The following is an entry in ClinVar:

ClinVar aggregate classification (germline): Likely benign. Review status: criteria provided, multiple submitters, no conflicts (2 of 4 stars). 2 submissions from 2 submitters: Likely benign (2). Last evaluated 2026-03-01.

Allele frequency attached by ClinVar (database versions not stated): gnomAD exomes below 0.00001; gnomAD 0.00001.
gnomAD v4.1: 2 of 1,614,120 alleles (0.00012%); highest among the groups gnomAD compares: Admixed American, 0.0033%; no homozygotes.

Submissions (2):

CeGaT Center for Human Genetics Tuebingen
Classification: Likely benign. Last evaluated: 2026-03-01. Review status: criteria provided, single submitter. Criteria: CeGaT Center For Human Genetics Tuebingen Variant Classification Criteria Version 2. Collection method: clinical testing. Allele origin: germline. Affected: yes. Observed: 1 variant allele.
Comment: EXTL3: BP4, BP7

Labcorp Genetics (formerly Invitae), Labcorp
Classification: Likely benign. Last evaluated: 2022-12-01. Review status: criteria provided, single submitter. Criteria: Invitae Variant Classification Sherloc (09022015). Collection method: clinical testing. Allele origin: germline.

NM_001440.4(EXTL3):c.510C>A (p.Pro170=)

Gene: EXTL3 (exostosin like glycosyltransferase 3; plus strand). Cytogenetic location: 8p21.1.
Variant type: single nucleotide variant.
Coding change: c.510C>A on transcript NM_001440.4 (MANE Select); coding-DNA position 510, C replaced by A.
Protein change: p.Pro170=; no amino-acid change (proline 170 retained).
Molecular consequence: synonymous variant.
Genome position (GRCh38, 1-based): chr8:28,716,569, C>A. VCF-style: chr8-28716569-C-A. GRCh37 (hg19) VCF-style: chr8-28574086-C-A.
Identifiers: ClinVar variation 1575654 (VCV001575654.12), dbSNP rs1801153192, ClinGen allele CA460189733.